The following is an entry in ClinVar:

ClinVar aggregate classification (germline): Uncertain significance (1 of 4 stars; one submission).

gnomAD v4.1: 1 of 1,614,002 alleles (0.000062%); highest among the groups gnomAD compares: Non-Finnish European, 0.000085%; no homozygotes.

Submission:

GeneDx
Classification: Uncertain significance. Last evaluated: 2026-03-16. Review status: criteria provided, single submitter. Criteria: GeneDx Variant Classification Process June 2021. Collection method: clinical testing. Allele origin: germline.
Comment: Not observed at significant frequency in large population cohorts (gnomAD); In silico analysis suggests that this missense variant does not alter protein structure/function; Has not been previously published as pathogenic or benign to our knowledge

NM_001429.4(EP300):c.6298A>C (p.Ile2100Leu)

Gene: EP300 (EP300 lysine acetyltransferase; plus strand). Cytogenetic location: 22q13.2.
Variant type: single nucleotide variant.
Coding change: c.6298A>C on transcript NM_001429.4 (MANE Select); coding-DNA position 6298, A replaced by C.
Protein change: p.Ile2100Leu; replaces isoleucine 2100 with leucine.
Molecular consequence: missense variant.
Genome position (GRCh38, 1-based): chr22:41,178,009, A>C. VCF-style: chr22-41178009-A-C. GRCh37 (hg19) VCF-style: chr22-41574013-A-C.
Other names: c.6220A>C, p.Ile2074Leu (NM_001362843.2); short protein forms I2074L, I2100L.
Identifiers: ClinVar variation 4976621 (VCV004976621.1).
Genomic context (GRCh38, chr22:41,178,009, plus strand): 5'-CTGTTGGCTGCATTCATCAAGCAGCGGGCTGCCAAGTATGCCAACTCTAATCCACAACCC[A>C]TCCCTGGGCAGCCTGGCATGCCCCAGGGGCAGCCAGGGCTACAGCCACCTACCATGCCAG-3'
Protein context (NP_001420.2, residues 2090-2110): AKYANSNPQP[Ile2100Leu]PGQPGMPQGQ